The following is an entry in ClinVar:

NM_000384.3(APOB):c.13583A>G (p.Tyr4528Cys)

Genes: APOB (apolipoprotein B; minus strand), APOB3'MAR (APOB 3' scaffold/matrix attachment region; plus strand). Cytogenetic location: 2p24.1.
Variant type: single nucleotide variant.
Coding change: c.13583A>G on transcript NM_000384.3 (MANE Select); coding-DNA position 13583, A replaced by G.
Protein change: p.Tyr4528Cys; replaces tyrosine 4528 with cysteine.
Molecular consequence: missense variant.
Genome position (GRCh38, 1-based): chr2:21,001,839, T>C on the plus strand (A>G on the coding strand, the complement: APOB is on the minus strand). VCF-style: chr2-21001839-T-C. GRCh37 (hg19) VCF-style: chr2-21224711-T-C.
Other names: short protein forms Y4528C.
Identifiers: ClinVar variation 1770732 (VCV001770732.2), dbSNP rs748453503, ClinGen allele CA053303.

ClinVar aggregate classification (germline): Uncertain significance (1 of 4 stars; one submission).

Conditions:
Cardiovascular phenotype. Identifiers: MedGen CN230736.

Allele frequency attached by ClinVar (database versions not stated): ExAC 0.00001.

Submission:

Ambry Genetics
Classification: Uncertain significance for Cardiovascular phenotype. Last evaluated: 2022-10-11. Review status: criteria provided, single submitter. Criteria: Ambry Variant Classification Scheme 2023. Collection method: clinical testing. Allele origin: germline.
Comment: The p.Y4528C variant (also known as c.13583A>G), located in coding exon 29 of the APOB gene, results from an A to G substitution at nucleotide position 13583. The tyrosine at codon 4528 is replaced by cysteine, an amino acid with highly dissimilar properties. This amino acid position is well conserved in available vertebrate species; however, cysteine is the reference amino acid in other vertebrate species. In addition, this alteration is predicted to be tolerated by in silico analysis. Since supporting evidence is limited at this time, the clinical significance of this alteration remains unclear.